The following is an entry in ClinVar:

NM_000243.3(MEFV):c.149C>T (p.Pro50Leu)

Gene: MEFV (MEFV innate immunity regulator, pyrin; minus strand). Cytogenetic location: 16p13.3.
Variant type: single nucleotide variant.
Coding change: c.149C>T on transcript NM_000243.3 (MANE Select); coding-DNA position 149, C replaced by T.
Protein change: p.Pro50Leu; replaces proline 50 with leucine.
Molecular consequence: missense variant.
Genome position (GRCh38, 1-based): chr16:3,256,439, G>A on the plus strand (C>T on the coding strand, the complement: MEFV is on the minus strand). VCF-style: chr16-3256439-G-A. GRCh37 (hg19) VCF-style: chr16-3306439-G-A.
Other names: c.149C>T, p.Pro50Leu (NM_001198536.2); short protein forms P50L.
Identifiers: ClinVar variation 1064634 (VCV001064634.8), dbSNP rs144716190, ClinGen allele CA7860525.

ClinVar aggregate classification (germline): Conflicting classifications of pathogenicity. Review status: criteria provided, conflicting classifications (1 of 4 stars). 6 submissions from 4 submitters: Uncertain significance (2); Benign (2); Likely benign (1). 1 of the submissions does not count toward it. Last evaluated 2024-01-25.

Conditions:
Familial Mediterranean fever (FMF). Also called: POLYSEROSITIS, FAMILIAL PAROXYSMAL; POLYSEROSITIS, RECURRENT; Periodic peritonitis; Benign paroxysmal peritonitis. Identifiers: Orphanet 342, MedGen C0031069, MONDO:0018088, OMIM 249100. Disease mechanism: gain of function.
Familial Mediterranean fever, autosomal dominant. Also called: Dominant Familial Mediterranean Fever; FMF, AUTOSOMAL DOMINANT. Identifiers: Orphanet 342, MedGen C1851347, MONDO:0007601, OMIM 134610.
Acute febrile neutrophilic dermatosis (AFND). Also called: Sweet Syndrome; Gomm Button disease. Identifiers: Orphanet 3243, MedGen C0085077, MONDO:0011959, OMIM 608068.

Allele frequency attached by ClinVar (database versions not stated): gnomAD exomes 0.00002 and 0.00001; gnomAD 0.00001; ExAC 0.00002; ESP Exome Variant Server 0.00015.

Submissions (6):

Fulgent Genetics
Classification: Uncertain significance for Familial Mediterranean fever, autosomal dominant; Familial Mediterranean fever; Acute febrile neutrophilic dermatosis. Last evaluated: 2024-01-25. Review status: criteria provided, single submitter. Criteria: ACMG Guidelines, 2015. Collection method: clinical testing. Allele origin: germline.

Genome-Nilou Lab
Classification: Likely benign for Familial Mediterranean fever. Last evaluated: 2023-02-08. Review status: criteria provided, single submitter. Criteria: ACMG Guidelines, 2015. Collection method: clinical testing. Allele origin: germline.

Genome-Nilou Lab
Classification: Benign for Familial Mediterranean fever, autosomal dominant. Last evaluated: 2023-02-08. Review status: criteria provided, single submitter. Criteria: ACMG Guidelines, 2015. Collection method: clinical testing. Allele origin: germline.

Genome-Nilou Lab
Classification: Benign for Acute febrile neutrophilic dermatosis. Last evaluated: 2023-02-08. Review status: criteria provided, single submitter. Criteria: ACMG Guidelines, 2015. Collection method: clinical testing. Allele origin: germline.

Labcorp Genetics (formerly Invitae), Labcorp
Classification: Uncertain significance for Familial Mediterranean fever. Last evaluated: 2021-08-31. Review status: criteria provided, single submitter. Criteria: Invitae Variant Classification Sherloc (09022015). Collection method: clinical testing. Allele origin: germline.
Comment: This sequence change replaces proline with leucine at codon 50 of the MEFV protein (p.Pro50Leu). The proline residue is moderately conserved and there is a moderate physicochemical difference between proline and leucine. This variant is present in population databases (rs144716190, ExAC 0.01%). This variant has not been reported in the literature in individuals affected with MEFV-related conditions. Algorithms developed to predict the effect of missense changes on protein structure and function are either unavailable or do not agree on the potential impact of this missense change (SIFT: "Deleterious"; PolyPhen-2: "Probably Damaging"; Align-GVGD: "Class C0"). In summary, the available evidence is currently insufficient to determine the role of this variant in disease. Therefore, it has been classified as a Variant of Uncertain Significance.

Molecular Genetics Laboratory, BC Children's and BC Women's Hospitals
Classification: Uncertain significance for Familial Mediterranean fever. Last evaluated: 2020-03-25. Review status: no assertion criteria provided. Criteria: ACMG Guidelines, 2015. Collection method: clinical testing. Allele origin: germline. Affected: yes. Not counted in ClinVar's aggregate classification.